The following is an entry in ClinVar:

ClinVar aggregate classification (germline): Likely benign. Review status: criteria provided, multiple submitters, no conflicts (2 of 4 stars). 7 submissions from 7 submitters: Likely benign (7). Last evaluated 2026-01-18.

Conditions:
Cardiovascular phenotype. Identifiers: MedGen CN230736.
Alstrom syndrome (ALMS). Identifiers: Orphanet 64, MedGen C0268425, MONDO:0008763, OMIM 203800.

Allele frequency attached by ClinVar (database versions not stated): ESP Exome Variant Server 0.00008; gnomAD 0.00019; TOPMed 0.00025.
gnomAD v4.1: 483 of 1,613,980 alleles (0.03%); highest among the groups gnomAD compares: Non-Finnish European, 0.039%; no homozygotes.

Submissions (8):

Labcorp Genetics (formerly Invitae), Labcorp
Classification: Likely benign for Alstrom syndrome. Last evaluated: 2026-01-18. Review status: criteria provided, single submitter. Criteria: Invitae Variant Classification Sherloc (09022015). Collection method: clinical testing. Allele origin: germline.

CeGaT Center for Human Genetics Tuebingen
Classification: Likely benign. Last evaluated: 2025-08-01. Review status: criteria provided, single submitter. Criteria: CeGaT Center For Human Genetics Tuebingen Variant Classification Criteria Version 2. Collection method: clinical testing. Allele origin: germline. Affected: yes. Observed: 1 variant allele.
Comment: ALMS1: BP4, BP7

Blueprint Genetics
Classification: Likely benign. Last evaluated: 2024-11-06. Review status: criteria provided, single submitter. Criteria: ACMG Guidelines, 2015. Collection method: clinical testing. Allele origin: germline.

Genetic Services Laboratory, University of Chicago
Classification: Likely benign. Last evaluated: 2021-07-16. Review status: criteria provided, single submitter. Criteria: ACMG Guidelines, 2015. Collection method: clinical testing. Allele origin: germline. Affected: no.

Women's Health and Genetics/Laboratory Corporation of America, LabCorp
Classification: Likely benign. Last evaluated: 2021-01-07. Review status: criteria provided, single submitter. Criteria: LabCorp Variant Classification Summary - May 2015. Collection method: clinical testing. Allele origin: germline.

GeneDx
Classification: Likely benign. Last evaluated: 2020-08-07. Review status: criteria provided, single submitter. Criteria: GeneDx Variant Classification Process June 2021. Collection method: clinical testing. Allele origin: germline. Affected: yes.

Ambry Genetics
Classification: Likely benign for Cardiovascular phenotype. Last evaluated: 2019-05-25. Review status: criteria provided, single submitter. Criteria: Ambry Variant Classification Scheme 2023. Collection method: clinical testing. Allele origin: germline.

Dr. Peter K. Rogan Lab, Western University
No classification provided (evidence only). Condition: Melanoma. Review status: no classification provided. Collection method: in vitro. Allele origin: not applicable. Functional consequence: retained intron. Not counted in ClinVar's aggregate classification.

NM_001378454.1(ALMS1):c.8779C>A (p.Arg2927=)

Gene: ALMS1 (ALMS1 centrosome and basal body associated protein; plus strand). Cytogenetic location: 2p13.1.
Variant type: single nucleotide variant.
Coding change: c.8779C>A on transcript NM_001378454.1 (MANE Select); coding-DNA position 8779, C replaced by A.
Protein change: p.Arg2927=; no amino-acid change (arginine 2927 retained).
Molecular consequence: synonymous variant.
Genome position (GRCh38, 1-based): chr2:73,490,738, C>A. VCF-style: chr2-73490738-C-A. GRCh37 (hg19) VCF-style: chr2-73717865-C-A.
Other names: c.8782C>A, p.Arg2928= (NM_015120.4).
Identifiers: ClinVar variation 511600 (VCV000511600.29), dbSNP rs376244626, ClinGen allele CA1714540.
Genomic context (GRCh38, chr2:73,490,738, plus strand): 5'-TCTCCTCAACATCAGGATTATGTAGCTCCAGACCTTCCTTCTTGCATTTTTCTTGAACAA[C>A]GAGAACTCTTTGAACAGTGCAAAGCCCCATATGTAGATCATCAAATGAGAGAAAACCATT-3'
Protein context (NP_001365383.1, residues 2917-2937): DLPSCIFLEQ[Arg2927=]ELFEQCKAPY